The following is an entry in ClinVar:

ClinVar aggregate classification (germline): Likely benign (1 of 4 stars; one submission).

gnomAD v4.1: 2 of 1,209,981 alleles (0.00017%); highest among the groups gnomAD compares: Admixed American, 0.0043%; no homozygotes.

Submission:

CeGaT Center for Human Genetics Tuebingen
Classification: Likely benign. Last evaluated: 2026-05-01. Review status: criteria provided, single submitter. Criteria: CeGaT Center For Human Genetics Tuebingen Variant Classification Criteria Version 2. Collection method: clinical testing. Allele origin: germline. Affected: yes. Observed: 1 variant allele.
Comment: DLG3: BP4

NM_021120.4(DLG3):c.1145+8C>T

Gene: DLG3 (discs large MAGUK scaffold protein 3; plus strand). Cytogenetic location: Xq13.1.
Variant type: single nucleotide variant.
Coding change: c.1145+8C>T on transcript NM_021120.4 (MANE Select); 8 bases into the intron after coding-DNA position 1145, C replaced by T.
Molecular consequence: intron variant.
Genome position (GRCh38, 1-based): chrX:70,452,034, C>T. VCF-style: chrX-70452034-C-T. GRCh37 (hg19) VCF-style: chrX-69671884-C-T.
Identifiers: ClinVar variation 4874920 (VCV004874920.2).